The following is an entry in ClinVar:

ClinVar aggregate classification (germline): Uncertain significance. Review status: reviewed by expert panel (3 of 4 stars). 2 submissions from 2 submitters: Uncertain significance (1). 1 of the submissions does not count toward it. Last evaluated 2026-05-27.

Conditions:
Hereditary thrombocytopenia and hematologic cancer predisposition syndrome. Identifiers: Orphanet 71290, MedGen CN281654, MONDO:0011071.
Inborn genetic diseases. Identifiers: MedGen C0950123, MeSH D030342.

Submissions (2):

ClinGen Myeloid Malignancy Variant Curation Expert Panel
Classification: Uncertain significance for Hereditary thrombocytopenia and hematologic cancer predisposition syndrome. Last evaluated: 2026-05-27. Review status: reviewed by expert panel. Criteria: ClinGen MyeloMalig ACMG Specifications V3.1. Collection method: curation. Allele origin: germline. Inheritance: Autosomal dominant inheritance.
Comment: NM_001754.5(RUNX1):c.827C>G (p.Ser276Cys) is a missense variant which is completely absent from all population databases with at least 20x coverage for RUNX1 (PM2_Supporting). This missense variant has a REVEL score < 0.50 (0.455) and a SpliceAI score ≤ 0.20 (0.00) (BP4). In summary, the clinical significance of this variant is uncertain. ACMG/AMP criteria applied, as specified by the Myeloid Malignancy Variant Curation Expert Panel for RUNX1: PM2_Supporting, BP4.

Ambry Genetics
Classification: Uncertain significance for Inborn genetic diseases. Last evaluated: 2025-06-21. Review status: criteria provided, single submitter. Criteria: Ambry Variant Classification Scheme 2023. Collection method: clinical testing. Allele origin: germline. Not counted in ClinVar's aggregate classification.
Comment: The p.S276C variant (also known as c.827C>G), located in coding exon 7 of the RUNX1 gene, results from a C to G substitution at nucleotide position 827. The serine at codon 276 is replaced by cysteine, an amino acid with dissimilar properties. This amino acid position is conserved. In addition, the in silico prediction for this alteration is inconclusive. Based on the available evidence, the clinical significance of this variant remains unclear.

NM_001754.5(RUNX1):c.827C>G (p.Ser276Cys)

Gene: RUNX1 (RUNX family transcription factor 1; minus strand). Cytogenetic location: 21q22.12.
Variant type: single nucleotide variant.
Coding change: c.827C>G on transcript NM_001754.5 (MANE Select); coding-DNA position 827, C replaced by G.
Protein change: p.Ser276Cys; replaces serine 276 with cysteine.
Molecular consequence: missense variant.
Genome position (GRCh38, 1-based): chr21:34,799,441, G>C on the plus strand (C>G on the coding strand, the complement: RUNX1 is on the minus strand). VCF-style: chr21-34799441-G-C. GRCh37 (hg19) VCF-style: chr21-36171738-G-C.
Other names: NM_001754.5(RUNX1):c.827C>G; p.Ser276Cys; c.746C>G, p.Ser249Cys (NM_001001890.3); short protein forms S249C, S276C.
Identifiers: ClinVar variation 4158182 (VCV004158182.2).